The following is an entry in ClinVar:

ClinVar aggregate classification (germline): Conflicting classifications of pathogenicity. Review status: criteria provided, conflicting classifications (1 of 4 stars). 3 submissions from 3 submitters: Uncertain significance (2); Benign (1). Last evaluated 2025-09-11.

Conditions:
Inborn genetic diseases. Identifiers: MedGen C0950123, MeSH D030342.

Allele frequency attached by ClinVar (database versions not stated): 1000 Genomes Project 30x 0.00062; 1000 Genomes Project 0.00080.
gnomAD v4.1: 110 of 1,235,202 alleles (0.0089%); highest among the groups gnomAD compares: South Asian, 0.34%; no homozygotes.

Submissions (3):

Ambry Genetics
Classification: Uncertain significance for Inborn genetic diseases. Last evaluated: 2025-09-11. Review status: criteria provided, single submitter. Criteria: Ambry Variant Classification Scheme 2023. Collection method: clinical testing. Allele origin: germline.

Blueprint Genetics
Classification: Benign. Last evaluated: 2024-11-07. Review status: criteria provided, single submitter. Criteria: ACMG Guidelines, 2015. Collection method: clinical testing. Allele origin: germline.

Labcorp Genetics (formerly Invitae), Labcorp
Classification: Uncertain significance. Last evaluated: 2023-08-11. Review status: criteria provided, single submitter. Criteria: Invitae Variant Classification Sherloc (09022015). Collection method: clinical testing. Allele origin: germline.
Comment: In summary, the available evidence is currently insufficient to determine the role of this variant in disease. Therefore, it has been classified as a Variant of Uncertain Significance. Advanced modeling of protein sequence and biophysical properties (such as structural, functional, and spatial information, amino acid conservation, physicochemical variation, residue mobility, and thermodynamic stability) performed at Invitae indicates that this missense variant is not expected to disrupt HMX1 protein function. ClinVar contains an entry for this variant (Variation ID: 1352741). This variant has not been reported in the literature in individuals affected with HMX1-related conditions. This variant is not present in population databases (gnomAD no frequency). This sequence change replaces proline, which is neutral and non-polar, with arginine, which is basic and polar, at codon 299 of the HMX1 protein (p.Pro299Arg).

NM_018942.3(HMX1):c.896C>G (p.Pro299Arg)

Gene: HMX1 (H6 family homeobox 1; minus strand). Cytogenetic location: 4p16.1.
Variant type: single nucleotide variant.
Coding change: c.896C>G on transcript NM_018942.3 (MANE Select); coding-DNA position 896, C replaced by G.
Protein change: p.Pro299Arg; replaces proline 299 with arginine.
Molecular consequence: missense variant. On other transcripts: intron variant (1).
Genome position (GRCh38, 1-based): chr4:8,867,844, G>C on the plus strand (C>G on the coding strand, the complement: HMX1 is on the minus strand). VCF-style: chr4-8867844-G-C. GRCh37 (hg19) VCF-style: chr4-8869570-G-C.
Other names: c.896C>G (NM_018942.2); c.394+3377C>G (NM_001306142.2); short protein forms P299R.
Identifiers: ClinVar variation 1352741 (VCV001352741.8), dbSNP rs539490551, ClinGen allele CA2854244.
Genomic context (GRCh38, chr4:8,867,844, plus strand): 5'-CCGAGCAGCGGTGGGGGCGGCGCGGGCGCGGCGGGCGCCAGCGGGAAGGGCAGGGTGGCC[G>C]GGGGCCCAGCGGCGGCTGCGGCCGGGGGGCTTTCGTGGTAGAGCACCGGCACGCGGACCA-3'
Protein context (NP_061815.2, residues 289-309): SPPAAAAAGP[Pro299Arg]ATLPFPLAPA